The following is an entry in ClinVar:

ClinVar aggregate classification (germline): Pathogenic (1 of 4 stars; one submission).

Conditions:
Familial cancer of breast. Also called: BREAST CANCER, FAMILIAL; Hereditary breast cancer; hereditary breast carcinoma. Identifiers: Orphanet 227535, MedGen C0346153, MONDO:0016419, OMIM 114480. Disease mechanism: loss of function.

Submission:

Myriad Genetics, Inc.
Classification: Pathogenic for Familial cancer of breast. Last evaluated: 2026-09-10. Review status: criteria provided, single submitter. Criteria: Myriad Autosomal Dominant, Autosomal Recessive and X-Linked Classification Criteria (2023). Collection method: clinical testing. Allele origin: unknown.
Comment: This variant is considered pathogenic. This variant creates a frameshift predicted to result in premature protein truncation.

NM_000051.4(ATM):c.1951del (p.Leu651fs)

Gene: ATM (ATM serine/threonine kinase; plus strand). Cytogenetic location: 11q22.3.
Variant type: Deletion.
Coding change: c.1951del on transcript NM_000051.4 (MANE Select); coding-DNA position 1951, one base deleted (C; older notation c.1951delC).
Protein change: p.Leu651fs; shifts the reading frame from leucine 651.
Molecular consequence: frameshift variant.
Genome position (GRCh38, 1-based): chr11:108,253,866, C deleted. VCF-style (leftmost placement, unchanged base first): chr11-108253865-AC-A. GRCh37 (hg19) VCF-style: chr11-108124592-AC-A.
Other names: c.1951del, p.Leu651fs (NM_001351834.2); short protein forms L651fs.
Identifiers: ClinVar variation 5042270 (VCV005042270.1).
Genomic context (GRCh38, chr11:108,253,865, plus strand): 5'-TTCTTGAAGTGAACACCACCAAAAAGATAAAGAAGAACTTTCATTCTCAGAAGTAGAAGA[AC>A]TATTTCTTCAGACAACTTTTGACAAGATGGACTTTTTAACCATTGTGAGAGAATGTGGTA-3'